The following is an entry in ClinVar:

ClinVar aggregate classification (germline): Uncertain significance (1 of 4 stars; one submission).

Conditions:
Gnathodiaphyseal dysplasia (GDD). Also called: GNATHODIAPHYSEAL SCLEROSIS; OSTEOGENESIS IMPERFECTA WITH UNUSUAL SKELETAL LESIONS. Identifiers: Orphanet 53697, MedGen C1833736, MONDO:0008151, OMIM 166260.
Autosomal recessive limb-girdle muscular dystrophy type 2L (LGMDR12). Also called: Limb-girdle muscular dystrophy, type 2L; Limb-Girdle Muscular Dystrophy R12 Anoctamin-5-Related (LGMD-R12); MUSCULAR DYSTROPHY, LIMB-GIRDLE, AUTOSOMAL RECESSIVE 12. Identifiers: Orphanet 206549, MedGen C1969785, MONDO:0012652, OMIM 611307.

Allele frequency attached by ClinVar (database versions not stated): gnomAD 0.00001; TOPMed 0.00001.
gnomAD v4.1: 1 of 1,613,988 alleles (0.000062%); highest among the groups gnomAD compares: African/African-American, 0.0013%; no homozygotes.

Submission:

Labcorp Genetics (formerly Invitae), Labcorp
Classification: Uncertain significance for Autosomal recessive limb-girdle muscular dystrophy type 2L; Gnathodiaphyseal dysplasia. Last evaluated: 2021-06-09. Review status: criteria provided, single submitter. Criteria: Invitae Variant Classification Sherloc (09022015). Collection method: clinical testing. Allele origin: germline.
Comment: This variant has not been reported in the literature in individuals with ANO5-related conditions. In summary, the available evidence is currently insufficient to determine the role of this variant in disease. Therefore, it has been classified as a Variant of Uncertain Significance. Advanced modeling of protein sequence and biophysical properties (such as structural, functional, and spatial information, amino acid conservation, physicochemical variation, residue mobility, and thermodynamic stability) performed at Invitae indicates that this missense variant is expected to disrupt ANO5 protein function. This variant is not present in population databases (ExAC no frequency). This sequence change replaces methionine with threonine at codon 352 of the ANO5 protein (p.Met352Thr). The methionine residue is moderately conserved and there is a moderate physicochemical difference between methionine and threonine.

NM_213599.3(ANO5):c.1055T>C (p.Met352Thr)

Gene: ANO5 (anoctamin 5; plus strand). Cytogenetic location: 11p14.3.
Variant type: single nucleotide variant.
Coding change: c.1055T>C on transcript NM_213599.3 (MANE Select); coding-DNA position 1055, T replaced by C.
Protein change: p.Met352Thr; replaces methionine 352 with threonine.
Molecular consequence: missense variant.
Genome position (GRCh38, 1-based): chr11:22,250,782, T>C. VCF-style: chr11-22250782-T-C. GRCh37 (hg19) VCF-style: chr11-22272328-T-C.
Other names: c.1052T>C, p.Met351Thr (NM_001142649.2); short protein forms M351T, M352T.
Identifiers: ClinVar variation 1432510 (VCV001432510.8), dbSNP rs991625488, ClinGen allele CA218753464.